The following is an entry in ClinVar:

NM_001378615.1(CC2D2A):c.2945G>A (p.Arg982His)

Genes: CC2D2A (coiled-coil and C2 domain containing 2A; plus strand), FBXL5 (F-box and leucine rich repeat protein 5; minus strand). Cytogenetic location: 4p15.32.
Variant type: single nucleotide variant.
Coding change: c.2945G>A on transcript NM_001378615.1 (MANE Select); coding-DNA position 2945, G replaced by A.
Protein change: p.Arg982His; replaces arginine 982 with histidine.
Molecular consequence: missense variant.
Genome position (GRCh38, 1-based): chr4:15,560,553, G>A. VCF-style: chr4-15560553-G-A. GRCh37 (hg19) VCF-style: chr4-15562176-G-A.
Other names: c.2945G>A, p.Arg982His (NM_001080522.2); c.2798G>A, p.Arg933His (NM_001378617.1); short protein forms R982H, R933H.
Identifiers: ClinVar variation 288560 (VCV000288560.28), dbSNP rs150093365, ClinGen allele CA2864042.

ClinVar aggregate classification (germline): Conflicting classifications of pathogenicity. Review status: criteria provided, conflicting classifications (1 of 4 stars). 8 submissions from 8 submitters: Uncertain significance (4); Likely benign (3). 1 of the submissions does not count toward it. Last evaluated 2026-02-03.

Conditions:
CC2D2A-related disorder. Also called: CC2D2A-related disorders; CC2D2A-related condition. Identifiers: MedGen CN239313.
Inborn genetic diseases. Identifiers: MedGen C0950123, MeSH D030342.
COACH syndrome 1. Identifiers: Orphanet 1454, MedGen C5435651, MONDO:0800103, OMIM 216360, MONDO:0008996.
Joubert syndrome 9 (JBTS9). Identifiers: Orphanet 2318, MedGen C2676788, MONDO:0012849, OMIM 612285.
Meckel syndrome, type 6. Identifiers: Orphanet 564, MedGen C2676790, MONDO:0012848, OMIM 612284.
Intellectual disability. Also called: intellectual disabilities; Intellectual developmental disorder; Intellectual functioning disability. Identifiers: MedGen C3714756, MeSH D008607, MONDO:0001071, HP:0001249.
Joubert syndrome. Also called: Familial aplasia of the vermis; JOUBERT-BOLTSHAUSER SYNDROME. Identifiers: Orphanet 475, MedGen C5979921, MONDO:0018772.
Meckel-Gruber syndrome. Also called: Dysencephalia splachnocystica; DYSENCEPHALIA SPLANCHNOCYSTICA; GRUBER SYNDROME. Identifiers: Orphanet 564, MedGen C0265215, MONDO:0018921.

Allele frequency attached by ClinVar (database versions not stated): gnomAD exomes 0.00007 and 0.00020; ExAC 0.00032; gnomAD 0.00057 and 0.00058; TOPMed 0.00057; ESP Exome Variant Server 0.00077; 1000 Genomes Project 30x 0.00078; 1000 Genomes Project 0.00080.
gnomAD v4.1: 181 of 1,517,768 alleles (0.012%); highest among the groups gnomAD compares: African/African-American, 0.17%; no homozygotes.

Submissions (8):

Labcorp Genetics (formerly Invitae), Labcorp
Classification: Likely benign for Joubert syndrome; Meckel-Gruber syndrome. Last evaluated: 2026-02-03. Review status: criteria provided, single submitter. Criteria: Invitae Variant Classification Sherloc (09022015). Collection method: clinical testing. Allele origin: germline.

GeneDx
Classification: Uncertain significance. Last evaluated: 2024-09-04. Review status: criteria provided, single submitter. Criteria: GeneDx Variant Classification Process June 2021. Collection method: clinical testing. Allele origin: germline. Affected: yes.
Comment: In silico analysis supports that this missense variant has a deleterious effect on protein structure/function; Has not been previously published as pathogenic or benign to our knowledge

Blueprint Genetics
Classification: Likely benign. Last evaluated: 2024-08-30. Review status: criteria provided, single submitter. Criteria: ACMG Guidelines, 2015. Collection method: clinical testing. Allele origin: germline.

Ambry Genetics
Classification: Likely benign for Inborn genetic diseases. Last evaluated: 2022-02-14. Review status: criteria provided, single submitter. Criteria: Ambry Variant Classification Scheme 2023. Collection method: clinical testing. Allele origin: germline.

Cambridge Genomics Laboratory, East Genomic Laboratory Hub, NHS Genomic Medicine Service
Classification: Uncertain significance for Intellectual disability. Last evaluated: 2019-12-06. Review status: criteria provided, single submitter. Criteria: ACGS Best Practice Guidelines for Variant Classification in Rare Disease 2020. Collection method: clinical testing. Allele origin: germline. Affected: yes. Observed: 1 variant allele.

Fulgent Genetics
Classification: Uncertain significance for COACH syndrome 1; Meckel syndrome, type 6; Joubert syndrome 9. Last evaluated: 2018-10-31. Review status: criteria provided, single submitter. Criteria: ACMG Guidelines, 2015. Collection method: clinical testing. Allele origin: unknown.

Eurofins Ntd Llc (ga)
Classification: Uncertain significance. Last evaluated: 2017-07-12. Review status: criteria provided, single submitter. Criteria: EGL Classification Definitions 2015. Collection method: clinical testing. Allele origin: germline. Observed: 11 variant alleles, 11 heterozygotes.

PreventionGenetics, part of Exact Sciences
Classification: Likely benign for CC2D2A-related condition. Last evaluated: 2023-02-07. Review status: no assertion criteria provided. Collection method: clinical testing. Allele origin: germline. Not counted in ClinVar's aggregate classification.
Comment: This variant is classified as likely benign based on ACMG/AMP sequence variant interpretation guidelines (Richards et al. 2015 PMID: 25741868, with internal and published modifications).

Literature cited by the submitters: PubMed 28518168 (cited by Ambry Genetics); PubMed 32461654 (cited by Ambry Genetics).